The following is an entry in ClinVar:

ClinVar aggregate classification (germline): Likely benign (1 of 4 stars; one submission).

Submission:

Women's Health and Genetics/Laboratory Corporation of America, LabCorp
Classification: Likely benign. Last evaluated: 2026-04-01. Review status: criteria provided, single submitter. Criteria: LabCorp Variant Classification Summary - May 2015. Collection method: clinical testing. Allele origin: germline.
Comment: Variant summary: GARS1 c.1359+12G>A alters a nucleotide located at a position not widely known to affect splicing. Consensus agreement among computation tools predict no significant impact on normal splicing. However, these predictions have yet to be confirmed by functional studies. The variant was absent in 248008 control chromosomes. The available data on variant occurrences in the general population are insufficient to allow any conclusion about variant significance. To our knowledge, no occurrence of c.1359+12G>A in individuals affected with GARS1-related conditions and no experimental evidence demonstrating its impact on protein function have been reported. No submitters have cited clinical-significance assessments for this variant to ClinVar. Based on the evidence outlined above, the variant was classified as likely benign.

NM_002047.4(GARS1):c.1359+12G>A

Gene: GARS1 (glycyl-tRNA synthetase 1; plus strand). Cytogenetic location: 7p14.3.
Variant type: single nucleotide variant.
Coding change: c.1359+12G>A on transcript NM_002047.4 (MANE Select); 12 bases into the intron after coding-DNA position 1359, G replaced by A.
Molecular consequence: intron variant.
Genome position (GRCh38, 1-based): chr7:30,617,290, G>A. VCF-style: chr7-30617290-G-A. GRCh37 (hg19) VCF-style: chr7-30656906-G-A.
Other names: c.1197+12G>A (NM_001316772.1).
Identifiers: ClinVar variation 4848987 (VCV004848987.1).